The following is an entry in ClinVar:

ClinVar aggregate classification (germline): Likely pathogenic (1 of 4 stars; one submission).

Conditions:
Nemaline myopathy 2 (NEM2). Also called: Nemaline myopathy 2, autosomal recessive. Identifiers: MedGen C1850569, MONDO:0009725, OMIM 256030.

Submission:

Myriad Genetics, Inc.
Classification: Likely pathogenic for Nemaline myopathy 2. Last evaluated: 2022-05-30. Review status: criteria provided, single submitter. Criteria: Myriad Women's Health Autosomal Recessive and X-Linked Classification Criteria (2021). Collection method: clinical testing. Allele origin: unknown.
Comment: NM_001271208.1(NEB):c.9662delA(H3221Pfs*2) is expected to be pathogenic in the context of NEB-related nemaline myopathy. This variant is predicted to lead to an abnormal or absent protein product due to the creation of a premature termination codon in NEB, a gene where loss-of-function variants are known to be pathogenic. Please note: this variant was assessed in the context of healthy population screening.

NM_001164508.2(NEB):c.9662del (p.His3221fs)

Gene: NEB (nebulin; minus strand). Cytogenetic location: 2q23.3.
Variant type: Deletion.
Coding change: c.9662del on transcript NM_001164508.2 (MANE Select); coding-DNA position 9662, one base deleted (A; older notation c.9662delA).
Protein change: p.His3221fs; shifts the reading frame from histidine 3221.
Molecular consequence: frameshift variant.
Genome position (GRCh38, 1-based): chr2:151,630,776, T deleted on the plus strand (A on the coding strand, the reverse complement: NEB is on the minus strand). VCF-style (leftmost placement, unchanged base first): chr2-151630775-GT-G. GRCh37 (hg19) VCF-style: chr2-152487289-GT-G.
Other names: c.9662del, p.His3221fs (NM_001164507.2, NM_001271208.2); c.8933del, p.His2978fs (NM_004543.5); short protein forms H2978fs, H3221fs.
Identifiers: ClinVar variation 1726242 (VCV001726242.2), dbSNP rs2552237996, ClinGen allele CA2580063901.